The following is an entry in ClinVar:

ClinVar aggregate classification (germline): Uncertain significance. Review status: criteria provided, multiple submitters, no conflicts (2 of 4 stars). 2 submissions from 2 submitters: Uncertain significance (2). Last evaluated 2025-10-14.

Conditions:
Inborn genetic diseases. Identifiers: MedGen C0950123, MeSH D030342.

Allele frequency attached by ClinVar (database versions not stated): TOPMed below 0.00001.

Submissions (2):

Labcorp Genetics (formerly Invitae), Labcorp
Classification: Uncertain significance. Last evaluated: 2025-10-14. Review status: criteria provided, single submitter. Criteria: Invitae Variant Classification Sherloc (09022015). Collection method: clinical testing. Allele origin: germline.
Comment: This sequence change replaces leucine, which is neutral and non-polar, with valine, which is neutral and non-polar, at codon 2867 of the HUWE1 protein (p.Leu2867Val). This variant is not present in population databases (gnomAD no frequency). This variant has not been reported in the literature in individuals affected with HUWE1-related conditions. ClinVar contains an entry for this variant (Variation ID: 2253370). Invitae Evidence Modeling of protein sequence and biophysical properties (such as structural, functional, and spatial information, amino acid conservation, physicochemical variation, residue mobility, and thermodynamic stability) has been performed for this missense variant. However, the output from this modeling did not meet the statistical confidence thresholds required to predict the impact of this variant on HUWE1 protein function. In summary, the available evidence is currently insufficient to determine the role of this variant in disease. Therefore, it has been classified as a Variant of Uncertain Significance.

Ambry Genetics
Classification: Uncertain significance for Inborn genetic diseases. Last evaluated: 2021-10-06. Review status: criteria provided, single submitter. Criteria: Ambry Variant Classification Scheme 2023. Collection method: clinical testing. Allele origin: germline.

NM_031407.7(HUWE1):c.8599T>G (p.Leu2867Val)

Gene: HUWE1 (HECT, UBA and WWE domain containing E3 ubiquitin protein ligase 1; minus strand). Cytogenetic location: Xp11.22.
Variant type: single nucleotide variant.
Coding change: c.8599T>G on transcript NM_031407.7 (MANE Select); coding-DNA position 8599, T replaced by G.
Protein change: p.Leu2867Val; replaces leucine 2867 with valine.
Molecular consequence: missense variant.
Genome position (GRCh38, 1-based): chrX:53,552,789, A>C on the plus strand (T>G on the coding strand, the complement: HUWE1 is on the minus strand). VCF-style: chrX-53552789-A-C. GRCh37 (hg19) VCF-style: chrX-53579750-A-C.
Other names: short protein forms L2867V.
Identifiers: ClinVar variation 2253370 (VCV002253370.3), dbSNP rs2061819099, ClinGen allele CA413146418.
Genomic context (GRCh38, chrX:53,552,789, plus strand): 5'-TGCCTGCTCTGGGCTGCTCAGAACTGCCAGCTGCTGAAGTGTCACCCACAGCCTCCTCTA[A>C]GGTACAGGAAGCCAGGCTGCTTGTATCCATAGGAGAGCCTTCTAGCTGACTGCTGACAGC-3'
Protein context (NP_113584.3, residues 2857-2877): MDTSSLASCT[Leu2867Val]EEAVGDTSAA